The following is an entry in ClinVar:

ClinVar aggregate classification (germline): Pathogenic (1 of 4 stars; one submission).

Conditions:
Familial thoracic aortic aneurysm and aortic dissection (TAAD). Also called: Thoracic aortic aneurysms and dissections. Identifiers: Orphanet 91387, MedGen C4707243, MONDO:0019625.
Marfan syndrome (MFS). Also called: FBN1-Related Marfan Syndrome; Marfan's syndrome; MARFAN SYNDROME, TYPE I; Marfan syndrome type 1; Marfan syndrome, classic. Identifiers: Orphanet 284963, Orphanet 558, MedGen C0024796, MONDO:0007947, OMIM 154700.

Submission:

Labcorp Genetics (formerly Invitae), Labcorp
Classification: Pathogenic for Marfan syndrome; Familial thoracic aortic aneurysm and aortic dissection. Last evaluated: 2019-12-03. Review status: criteria provided, single submitter. Criteria: Invitae Variant Classification Sherloc (09022015). Collection method: clinical testing. Allele origin: germline.
Comment: This variant has not been reported in the literature in individuals with FBN1-related conditions. This variant is not present in population databases (ExAC no frequency). This sequence change creates a premature translational stop signal (p.Lys206*) in the FBN1 gene. It is expected to result in an absent or disrupted protein product. Loss-of-function variants in FBN1 are known to be pathogenic (PMID: 17657824, 19293843). For these reasons, this variant has been classified as Pathogenic.

Literature cited by the submitters: PubMed 17657824; PubMed 19293843.

NM_000138.5(FBN1):c.616A>T (p.Lys206Ter)

Gene: FBN1 (fibrillin 1; minus strand). Cytogenetic location: 15q21.1.
Variant type: single nucleotide variant.
Coding change: c.616A>T on transcript NM_000138.5 (MANE Select); coding-DNA position 616, A replaced by T.
Protein change: p.Lys206Ter; replaces lysine 206 with a stop codon.
Molecular consequence: nonsense.
Genome position (GRCh38, 1-based): chr15:48,537,731, T>A on the plus strand (A>T on the coding strand, the complement: FBN1 is on the minus strand). VCF-style: chr15-48537731-T-A. GRCh37 (hg19) VCF-style: chr15-48829928-T-A.
Other names: short protein forms K206*.
Identifiers: ClinVar variation 855231 (VCV000855231.7), dbSNP rs2044026093, ClinGen allele CA392446031.
Genomic context (GRCh38, chr15:48,537,731, plus strand): 5'-CAGGACACATCTCACAGGGGTGGCCCCAGGCTCGGCCGACTGTGGCACAGCAGAGCGTTT[T>A]TGTGCAGACAATCCCGCTGAGTTGTCCCTGGCACATCTGGTTGCTGATCACAGTAAAACA-3'